The following is an entry in ClinVar:

NM_139318.5(KCNH5):c.2615A>G (p.Asp872Gly)

Gene: KCNH5 (potassium voltage-gated channel subfamily H member 5; minus strand). Cytogenetic location: 14q23.2.
Variant type: single nucleotide variant.
Coding change: c.2615A>G on transcript NM_139318.5 (MANE Select); coding-DNA position 2615, A replaced by G.
Protein change: p.Asp872Gly; replaces aspartic acid 872 with glycine.
Molecular consequence: missense variant. On other transcripts: 3 prime UTR variant (1).
Genome position (GRCh38, 1-based): chr14:62,707,860, T>C on the plus strand (A>G on the coding strand, the complement: KCNH5 is on the minus strand). VCF-style: chr14-62707860-T-C. GRCh37 (hg19) VCF-style: chr14-63174578-T-C.
Other names: c.*582A>G (NM_172375.3); short protein forms D872G.
Identifiers: ClinVar variation 1999886 (VCV001999886.4), dbSNP rs2502653166, ClinGen allele CA390100207.
Genomic context (GRCh38, chr14:62,707,860, plus strand): 5'-GCCTGGATGGGACTGTGCTCTAGCGGACTTCGGGCCTCCCCAGCCTTATCCAAACGAAGG[T>C]CACTTTTTGTAATTCCACTGTCACAAGAATCTGTTTTTCTTAGTGGGTTTTTGGTCACAC-3'
Protein context (NP_647479.2, residues 862-882): DSCDSGITKS[Asp872Gly]LRLDKAGEAR

ClinVar aggregate classification (germline): Uncertain significance (1 of 4 stars; one submission).

Conditions:
Early-infantile DEE. Also called: Ohtahara syndrome; Early infantile epileptic encephalopathy; Early infantile epileptic encephalopathy with suppression bursts. Identifiers: Orphanet 1934, MedGen C0393706, MONDO:0800491.

Submission:

Labcorp Genetics (formerly Invitae), Labcorp
Classification: Uncertain significance for Early-infantile DEE. Last evaluated: 2022-11-01. Review status: criteria provided, single submitter. Criteria: Invitae Variant Classification Sherloc (09022015). Collection method: clinical testing. Allele origin: germline.
Comment: This variant is not present in population databases (gnomAD no frequency). This sequence change replaces aspartic acid, which is acidic and polar, with glycine, which is neutral and non-polar, at codon 872 of the KCNH5 protein (p.Asp872Gly). This variant has not been reported in the literature in individuals affected with KCNH5-related conditions. Advanced modeling of protein sequence and biophysical properties (such as structural, functional, and spatial information, amino acid conservation, physicochemical variation, residue mobility, and thermodynamic stability) performed at Invitae indicates that this missense variant is not expected to disrupt KCNH5 protein function. In summary, the available evidence is currently insufficient to determine the role of this variant in disease. Therefore, it has been classified as a Variant of Uncertain Significance.